The following is an entry in ClinVar:

NM_004525.3(LRP2):c.2909G>T (p.Gly970Val)

Gene: LRP2 (LDL receptor related protein 2; minus strand). Cytogenetic location: 2q31.1.
Variant type: single nucleotide variant.
Coding change: c.2909G>T on transcript NM_004525.3 (MANE Select); coding-DNA position 2909, G replaced by T.
Protein change: p.Gly970Val; replaces glycine 970 with valine.
Molecular consequence: missense variant.
Genome position (GRCh38, 1-based): chr2:169,246,986, C>A on the plus strand (G>T on the coding strand, the complement: LRP2 is on the minus strand). VCF-style: chr2-169246986-C-A. GRCh37 (hg19) VCF-style: chr2-170103496-C-A.
Other names: short protein forms G970V.
Identifiers: ClinVar variation 1414420 (VCV001414420.5), dbSNP rs753885859, ClinGen allele CA1955164.

ClinVar aggregate classification (germline): Uncertain significance. Review status: criteria provided, multiple submitters, no conflicts (2 of 4 stars). 2 submissions from 2 submitters: Uncertain significance (2). Last evaluated 2025-01-15.

Conditions:
Donnai-Barrow syndrome. Also called: DBS/FOAR SYNDROME; FACIOOCULOACOUSTICORENAL SYNDROME. Identifiers: Orphanet 2143, MedGen C1857277, MONDO:0009104, OMIM 222448.

Allele frequency attached by ClinVar (database versions not stated): gnomAD 0.00004; TOPMed 0.00004; gnomAD exomes 0.00007; ExAC 0.00008.
gnomAD v4.1: 30 of 1,613,902 alleles (0.0019%); highest among the groups gnomAD compares: Admixed American, 0.03%; no homozygotes.

Submissions (2):

Labcorp Genetics (formerly Invitae), Labcorp
Classification: Uncertain significance. Last evaluated: 2025-01-15. Review status: criteria provided, single submitter. Criteria: Invitae Variant Classification Sherloc (09022015). Collection method: clinical testing. Allele origin: germline.
Comment: This sequence change replaces glycine, which is neutral and non-polar, with valine, which is neutral and non-polar, at codon 970 of the LRP2 protein (p.Gly970Val). This variant is present in population databases (rs753885859, gnomAD 0.05%), including at least one homozygous and/or hemizygous individual. This variant has not been reported in the literature in individuals affected with LRP2-related conditions. ClinVar contains an entry for this variant (Variation ID: 1414420). An algorithm developed to predict the effect of missense changes on protein structure and function (PolyPhen-2) suggests that this variant is likely to be disruptive. Algorithms developed to predict the effect of sequence changes on RNA splicing suggest that this variant may disrupt the consensus splice site. In summary, the available evidence is currently insufficient to determine the role of this variant in disease. Therefore, it has been classified as a Variant of Uncertain Significance.

Fulgent Genetics
Classification: Uncertain significance for Donnai-Barrow syndrome. Last evaluated: 2024-01-23. Review status: criteria provided, single submitter. Criteria: ACMG Guidelines, 2015. Collection method: clinical testing. Allele origin: germline.